The following is an entry in ClinVar:

NM_002528.7(NTHL1):c.613G>A (p.Ala205Thr)

Gene: NTHL1 (nth like DNA glycosylase 1; minus strand). Cytogenetic location: 16p13.3.
Variant type: single nucleotide variant.
Coding change: c.613G>A on transcript NM_002528.7 (MANE Select); coding-DNA position 613, G replaced by A.
Protein change: p.Ala205Thr; replaces alanine 205 with threonine.
Molecular consequence: missense variant.
Genome position (GRCh38, 1-based): chr16:2,043,639, C>T on the plus strand (G>A on the coding strand, the complement: NTHL1 is on the minus strand). VCF-style: chr16-2043639-C-T. GRCh37 (hg19) VCF-style: chr16-2093640-C-T.
Other names: c.613G>A, p.Ala205Thr (LRG_1366t1); c.442G>A, p.Ala148Thr (NM_001318193.2); c.283G>A, p.Ala95Thr (NM_001318194.2); short protein forms A205T, A95T, A148T.
Identifiers: ClinVar variation 657110 (VCV000657110.17), dbSNP rs772432408, ClinGen allele CA7828192.
Genomic context (GRCh38, chr16:2,043,639, plus strand): 5'-CAGTGCCCCAGGCCACAGCCATAGCCAGGTGTGCCATCTTGGGCCCAACACCCGGCAGCG[C>T]CACCAGCTCGGCCACAGAGGCTGGGATGTCCCCACCGTAGTGCTGCTGCAGGATGGCGCT-3'
Protein context (NP_002519.2, residues 195-215): DIPASVAELV[Ala205Thr]LPGVGPKMAH

ClinVar aggregate classification (germline): Conflicting classifications of pathogenicity. Review status: criteria provided, conflicting classifications (1 of 4 stars). 5 submissions from 5 submitters: Uncertain significance (4); Likely benign (1). Last evaluated 2026-01-24.

Conditions:
NTHL1-related disorder. Also called: NTHL1-related condition; NTHL1-related conditions.
Hereditary cancer-predisposing syndrome. Also called: Tumor predisposition; Hereditary neoplastic syndrome; Hereditary Cancer Syndrome; Neoplastic Syndromes, Hereditary. Identifiers: Orphanet 140162, MedGen C0027672, MeSH D009386, MONDO:0015356.
Familial adenomatous polyposis 3. Also called: NTHL1-Related Adenomatous Polyposis and Colorectal Cancer; NTHL1-associated polyposis; NTHL1-related attenuated familial adenomatous polyposis; NTHL1 Tumor Syndrome. Identifiers: Orphanet 220460, Orphanet 454840, MedGen C4225157, MONDO:0014630, OMIM 616415.

Allele frequency attached by ClinVar (database versions not stated): ExAC 0.00001; gnomAD exomes 0.00001 and 0.00002; TOPMed 0.00002.

Submissions (5):

Labcorp Genetics (formerly Invitae), Labcorp
Classification: Uncertain significance. Last evaluated: 2026-01-24. Review status: criteria provided, single submitter. Criteria: Invitae Variant Classification Sherloc (09022015). Collection method: clinical testing. Allele origin: germline.
Comment: This sequence change replaces alanine, which is neutral and non-polar, with threonine, which is neutral and polar, at codon 213 of the NTHL1 protein (p.Ala213Thr). This variant is present in population databases (rs772432408, gnomAD 0.01%). This variant has not been reported in the literature in individuals affected with NTHL1-related conditions. ClinVar contains an entry for this variant (Variation ID: 657110). An algorithm developed to predict the effect of missense changes on protein structure and function (PolyPhen-2) suggests that this variant is likely to be tolerated. In summary, the available evidence is currently insufficient to determine the role of this variant in disease. Therefore, it has been classified as a Variant of Uncertain Significance.

PreventionGenetics, part of Exact Sciences
Classification: Uncertain significance for NTHL1-related condition. Last evaluated: 2025-12-20. Review status: criteria provided, single submitter. Criteria: ACMG Guidelines, 2015. Collection method: clinical testing. Allele origin: germline.
Comment: The NTHL1 c.637G>A variant is predicted to result in the amino acid substitution p.Ala213Thr. This variant has been reported in the literature in an individual with breast cancer who also had a pathogenic BRCA2 variant (Togashi et al. 2025. PubMed ID: 39831988). This variant is reported in 0.011% of alleles in individuals of East Asian descent in gnomAD. This variant has conflicting interpretations in ClinVar ranging from uncertain to likely benign (Variation ID: 657110). At this time, the clinical significance of this variant is uncertain due to the absence of conclusive functional and genetic evidence.

Ambry Genetics
Classification: Likely benign for Hereditary cancer-predisposing syndrome. Last evaluated: 2024-04-25. Review status: criteria provided, single submitter. Criteria: Ambry Variant Classification Scheme 2023. Collection method: clinical testing. Allele origin: germline.

Baylor Genetics
Classification: Uncertain significance for Familial adenomatous polyposis 3. Last evaluated: 2024-03-13. Review status: criteria provided, single submitter. Criteria: ACMG Guidelines, 2015. Collection method: clinical testing. Allele origin: unknown.

GeneDx
Classification: Uncertain significance. Last evaluated: 2019-06-05. Review status: criteria provided, single submitter. Criteria: GeneDx Variant Classification Process June 2021. Collection method: clinical testing. Allele origin: germline. Affected: yes.
Comment: Not observed at a significant frequency in large population cohorts (Lek et al., 2016); Has not been previously published as pathogenic or benign to our knowledge